The following is an entry in ClinVar:

ClinVar aggregate classification (germline): Uncertain significance. Review status: criteria provided, multiple submitters, no conflicts (2 of 4 stars). 4 submissions from 4 submitters: Uncertain significance (4). Last evaluated 2026-04-07.

Conditions:
FLNC-related disorder. Also called: FLNC-related condition; FLNC-related disorders.
Dilated Cardiomyopathy, Dominant.
Hypertrophic cardiomyopathy 26. Also called: Cardiomyopathy, familial hypertrophic, 26. Identifiers: Orphanet 75249, MedGen C4310749, MONDO:0014883, OMIM 617047.
Distal myopathy with posterior leg and anterior hand involvement. Also called: WILLIAMS DISTAL MYOPATHY. Identifiers: Orphanet 63273, MedGen C3279722, MONDO:0013550, OMIM 614065.
Myofibrillar myopathy 5. Also called: Filaminopathy (type); FILAMINOPATHY, AUTOSOMAL DOMINANT. Identifiers: Orphanet 171445, MedGen C1836050, MONDO:0012289, OMIM 609524.
Cardiovascular phenotype. Identifiers: MedGen CN230736.

Allele frequency attached by ClinVar (database versions not stated): TOPMed 0.00003.
gnomAD v4.1: 33 of 1,571,912 alleles (0.0021%); highest among the groups gnomAD compares: Non-Finnish European, 0.0028%; no homozygotes.

Submissions (4):

PreventionGenetics, part of Exact Sciences
Classification: Uncertain significance for FLNC-related condition. Last evaluated: 2026-04-07. Review status: criteria provided, single submitter. Criteria: ACMG Guidelines, 2015. Collection method: clinical testing. Allele origin: germline.
Comment: The FLNC c.8019C>G variant is predicted to result in the amino acid substitution p.His2673Gln. This variant has been reported as a variant of uncertain significance in an individual with hypertrophic cardiomyopathy (Ritter et al. 2021. PubMed ID: 33103328). This variant is reported in 0.0016% of alleles in individuals of European (Non-Finnish) descent in gnomAD. At this time, the clinical significance of this variant is uncertain due to the absence of conclusive functional and genetic evidence.

Labcorp Genetics (formerly Invitae), Labcorp
Classification: Uncertain significance for Distal myopathy with posterior leg and anterior hand involvement; Myofibrillar myopathy 5; Hypertrophic cardiomyopathy 26. Last evaluated: 2025-01-16. Review status: criteria provided, single submitter. Criteria: Invitae Variant Classification Sherloc (09022015). Collection method: clinical testing. Allele origin: germline.
Comment: This sequence change replaces histidine, which is basic and polar, with glutamine, which is neutral and polar, at codon 2673 of the FLNC protein (p.His2673Gln). This variant is present in population databases (no rsID available, gnomAD 0.002%). This variant has not been reported in the literature in individuals affected with FLNC-related conditions. ClinVar contains an entry for this variant (Variation ID: 568863). Invitae Evidence Modeling of protein sequence and biophysical properties (such as structural, functional, and spatial information, amino acid conservation, physicochemical variation, residue mobility, and thermodynamic stability) indicates that this missense variant is not expected to disrupt FLNC protein function with a negative predictive value of 95%. In summary, the available evidence is currently insufficient to determine the role of this variant in disease. Therefore, it has been classified as a Variant of Uncertain Significance.

Revvity Omics, Revvity
Classification: Uncertain significance. Last evaluated: 2023-05-25. Review status: criteria provided, single submitter. Criteria: ACMG Guidelines, 2015. Collection method: clinical testing. Allele origin: germline.

Ambry Genetics
Classification: Uncertain significance for Cardiovascular phenotype. Last evaluated: 2020-03-16. Review status: criteria provided, single submitter. Criteria: Ambry Variant Classification Scheme 2023. Collection method: clinical testing. Allele origin: germline.
Comment: The p.H2673Q variant (also known as c.8019C>G), located in coding exon 48 of the FLNC gene, results from a C to G substitution at nucleotide position 8019. The histidine at codon 2673 is replaced by glutamine, an amino acid with highly similar properties. This amino acid position is highly conserved in available vertebrate species. In addition, the in silico prediction for this alteration is inconclusive. Since supporting evidence is limited at this time, the clinical significance of this alteration remains unclear.

NM_001458.5(FLNC):c.8019C>G (p.His2673Gln)

Genes: FLNC (filamin C; plus strand), FLNC-AS1 (FLNC antisense RNA 1; minus strand). Cytogenetic location: 7q32.1.
Variant type: single nucleotide variant.
Coding change: c.8019C>G on transcript NM_001458.5 (MANE Select); coding-DNA position 8019, C replaced by G.
Protein change: p.His2673Gln; replaces histidine 2673 with glutamine.
Molecular consequence: missense variant.
Genome position (GRCh38, 1-based): chr7:128,858,364, C>G. VCF-style: chr7-128858364-C-G. GRCh37 (hg19) VCF-style: chr7-128498418-C-G.
Other names: c.7920C>G, p.His2640Gln (NM_001127487.2); short protein forms H2673Q, H2640Q.
Identifiers: ClinVar variation 568863 (VCV000568863.13), dbSNP rs112180788, ClinGen allele CA166196437.